The following is an entry in ClinVar:

ClinVar aggregate classification (germline): Pathogenic/Likely pathogenic. Review status: criteria provided, multiple submitters, no conflicts (2 of 4 stars). 7 submissions from 7 submitters: Pathogenic (2); Likely pathogenic (3). 2 of the submissions do not count toward it. Last evaluated 2025-03-17.

Conditions:
CHD7-related disorder. Also called: CHD7-related condition.
Hypogonadotropic hypogonadism 5 with or without anosmia (KAL5). Also called: HYPOGONADOTROPIC HYPOGONADISM 5 WITH ANOSMIA; HYPOGONADOTROPHIC HYPOGONADISM 5 WITHOUT ANOSMIA; CHD7-Related GnRH Deficiency (Kallmann Syndrome 5). Identifiers: Orphanet 478, MedGen C3552553, MONDO:0012880, OMIM 612370. Disease mechanism: loss of function.
CHARGE syndrome (CHARGE). Also called: Hittner Hirsch Kreh syndrome; Coloboma, heart anomaly, choanal atresia, retardation, genital and ear anomalies; CHARGE association; Hall-Hittner syndrome; CHARGE ASSOCIATION--COLOBOMA, HEART ANOMALY, CHOANAL ATRESIA, RETARDATION, GENITAL AND EAR ANOMALIES. Identifiers: Orphanet 138, MedGen C0265354, MONDO:0008965.
CHD7-related CHARGE syndrome. Identifiers: MedGen CN380413, MONDO:1010178, OMIM 214800.
Neurodevelopmental disorder. Identifiers: MedGen C1535926, MeSH D065886, MONDO:0700092.

Submissions (7):

3billion
Classification: Pathogenic for Hypogonadotropic hypogonadism 5 with or without anosmia. Last evaluated: 2025-03-17. Review status: criteria provided, single submitter. Criteria: ACMG Guidelines, 2015. Collection method: clinical testing. Allele origin: germline. Affected: yes.

GeneDx
Classification: Pathogenic. Last evaluated: 2025-01-12. Review status: criteria provided, single submitter. Criteria: GeneDx Variant Classification Process June 2021. Collection method: clinical testing. Allele origin: germline. Affected: yes.
Comment: Not observed at significant frequency in large population cohorts (gnomAD); In silico analysis supports that this missense variant has a deleterious effect on protein structure/function; This variant is associated with the following publications: (PMID: 29304373, 28475860, 25064402, 34348883, 34297504, 35904121, 38205164, 38790272, 25077900)

Blueprint Genetics
Classification: Likely pathogenic for CHD7-related disorders. Last evaluated: 2022-09-06. Review status: criteria provided, single submitter. Criteria: ACMG Guidelines, 2015. Collection method: clinical testing. Allele origin: germline. Affected: yes. Observed: 1 variant allele.

Baylor Genetics
Classification: Likely pathogenic for CHD7-related CHARGE syndrome. Review status: criteria provided, single submitter. Criteria: ACMG Guidelines, 2015. Collection method: clinical testing. Allele origin: unknown.

Juno Genomics, Hangzhou Juno Genomics, Inc
Classification: Likely pathogenic for CHD7-related CHARGE syndrome. Review status: criteria provided, single submitter. Criteria: ACMG Guidelines, 2015. Collection method: clinical testing. Allele origin: germline. Affected: yes.
Comment: Absent from controls (or at extremely low frequency if recessive) in Genome Aggregation Database, Exome Sequencing Project, 1000 Genomes Project, or Exome Aggregation Consortium.;De novo (both maternity and paternity confirmed) in a patient with the disease and no family history.;Multiple lines of computational evidence support a deleterious effect on the gene or gene product (conservation, evolutionary, splicing impact, etc).;Missense variant in a gene that has a low rate of benign missense variation and where missense variants are a common mechanism of disease.;The prevalence of the variant in affected individuals is significantly increased compared to the prevalence in controls.

PreventionGenetics, part of Exact Sciences
Classification: Pathogenic for CHD7-related condition. Last evaluated: 2024-09-06. Review status: no assertion criteria provided. Collection method: clinical testing. Allele origin: germline. Not counted in ClinVar's aggregate classification.
Comment: The CHD7 c.6193C>T variant is predicted to result in the amino acid substitution p.Arg2065Cys. This variant was reported in multiple individuals with Kallmann or CHARGE syndromes (Izumi et al. 2014. PubMed ID: 25064402; Zhang et al. 2021. PubMed ID: 34348883; Table S1, Levy et al. 2022. PubMed ID: 35904121; Table S5, Butcher et al. 2017. PubMed ID: 28475860; Table S7, Aref-Eshghi et al. 2018. PubMed ID: 29304373; Marcos et al. 2014. PubMed ID: 25077900). This variant has not been reported in a large population database, indicating this variant is rare. Other substitutions (Ser, Gly, His) at this amino acid position have also been reported as pathogenic (Song et al. 2011. PubMed ID: 21931733; Table S1, Costa-Barbosa et al. 2013. PubMed ID: 23533228; Baxter et al. 2015. PubMed ID: 25383892). This variant is interpreted as pathogenic.

Laboratory of Molecular Genetics (Pr. Bezieau's lab), CHU de Nantes
Classification: Uncertain significance for Neurodevelopmental disorder. Last evaluated: 2006-10-20. Review status: flagged submission. Criteria: ACMG Guidelines, 2015. Collection method: clinical testing. Allele origin: germline. Affected: yes. Not counted in ClinVar's aggregate classification.
ClinVar note: Reason: Claim with insufficient supporting evidence

Literature cited by the submitters: PubMed 25064402 (cited by 3billion); PubMed 21931733 (cited by 3billion); PubMed 34348883 (cited by 3billion); PubMed 25077900 (cited by 3billion); PubMed 29304373 (cited by 3billion).

NM_017780.4(CHD7):c.6193C>T (p.Arg2065Cys)

Gene: CHD7 (chromodomain helicase DNA binding protein 7; plus strand). Cytogenetic location: 8q12.2.
Variant type: single nucleotide variant.
Coding change: c.6193C>T on transcript NM_017780.4 (MANE Select); coding-DNA position 6193, C replaced by T.
Protein change: p.Arg2065Cys; replaces arginine 2065 with cysteine.
Molecular consequence: missense variant. On other transcripts: intron variant (1).
Genome position (GRCh38, 1-based): chr8:60,852,918, C>T. VCF-style: chr8-60852918-C-T. GRCh37 (hg19) VCF-style: chr8-61765477-C-T.
Other names: c.1717-9311C>T (NM_001316690.1); short protein forms R2065C.
Identifiers: ClinVar variation 1028060 (VCV001028060.14), dbSNP rs1064794250, ClinGen allele CA371324412.
Genomic context (GRCh38, chr8:60,852,918, plus strand): 5'-CCGATCACAGAGGAGCGAGCCTCTCGAACTCTGTACCGCATTGAGCTGCTACGGAAGATC[C>T]GCGAGCAGGTTCTCCATCACCCCCAGCTGGGAGAGAGGCTTAAGCTCTGCCAGCCAAGCT-3'
Protein context (NP_060250.2, residues 2055-2075): LYRIELLRKI[Arg2065Cys]EQVLHHPQLG